The following is an entry in ClinVar:

ClinVar aggregate classification (germline): Uncertain significance (1 of 4 stars; one submission).

Conditions:
Mucopolysaccharidosis type 7 (MPS7). Also called: GUSB DEFICIENCY; SLY SYNDROME; MPS VII; BETA-GLUCURONIDASE DEFICIENCY. Identifiers: Orphanet 584, MedGen C0085132, MONDO:0009662, OMIM 253220.

gnomAD v4.1: 1 of 1,604,466 alleles (0.000062%); highest among the groups gnomAD compares: African/African-American, 0.0013%; no homozygotes.

Submission:

Labcorp Genetics (formerly Invitae), Labcorp
Classification: Uncertain significance for Mucopolysaccharidosis type 7. Last evaluated: 2022-09-01. Review status: criteria provided, single submitter. Criteria: Invitae Variant Classification Sherloc (09022015). Collection method: clinical testing. Allele origin: germline.
Comment: This sequence change falls in intron 1 of the GUSB gene. It does not directly change the encoded amino acid sequence of the GUSB protein. It affects a nucleotide within the consensus splice site. This variant is not present in population databases (gnomAD no frequency). This variant has not been reported in the literature in individuals affected with GUSB-related conditions. Variants that disrupt the consensus splice site are a relatively common cause of aberrant splicing (PMID: 17576681, 9536098). Algorithms developed to predict the effect of sequence changes on RNA splicing suggest that this variant may create or strengthen a splice site. In summary, the available evidence is currently insufficient to determine the role of this variant in disease. Therefore, it has been classified as a Variant of Uncertain Significance.

Literature cited by the submitters: PubMed 17576681; PubMed 9536098.

NM_000181.4(GUSB):c.210+5G>C

Gene: GUSB (glucuronidase beta; minus strand). Cytogenetic location: 7q11.21.
Variant type: single nucleotide variant.
Coding change: c.210+5G>C on transcript NM_000181.4 (MANE Select); 5 bases into the intron after coding-DNA position 210, G replaced by C.
Molecular consequence: intron variant.
Genome position (GRCh38, 1-based): chr7:65,981,969, C>G on the plus strand (G>C on the coding strand, the complement: GUSB is on the minus strand). VCF-style: chr7-65981969-C-G. GRCh37 (hg19) VCF-style: chr7-65446956-C-G.
Other names: c.-120+5G>C (NM_001293105.2); c.-176+5G>C (NM_001293104.2); c.210+5G>C (NM_001284290.2).
Identifiers: ClinVar variation 2048077 (VCV002048077.1), dbSNP rs1439749452, ClinGen allele CA2580077323.